The following is an entry in ClinVar:

NM_000048.4(ASL):c.1349G>A (p.Trp450Ter)

Gene: ASL (argininosuccinate lyase; plus strand). Cytogenetic location: 7q11.21.
Variant type: single nucleotide variant.
Coding change: c.1349G>A on transcript NM_000048.4 (MANE Select); coding-DNA position 1349, G replaced by A.
Protein change: p.Trp450Ter; replaces tryptophan 450 with a stop codon.
Molecular consequence: nonsense.
Genome position (GRCh38, 1-based): chr7:66,092,866, G>A. VCF-style: chr7-66092866-G-A. GRCh37 (hg19) VCF-style: chr7-65557853-G-A.
Other names: c.1289G>A, p.Trp430Ter (NM_001024944.2); c.1271G>A, p.Trp424Ter (NM_001024946.2); c.1349G>A, p.Trp450Ter (NM_001024943.2); short protein forms W430*, W450*, W424*.
Identifiers: ClinVar variation 864513 (VCV000864513.10), dbSNP rs1786894242, ClinGen allele CA367653509.

ClinVar aggregate classification (germline): Likely pathogenic (1 of 4 stars; one submission).

Conditions:
Argininosuccinate lyase deficiency. Also called: ARGININOSUCCINIC ACID LYASE DEFICIENCY; ASL DEFICIENCY; Argininosuccinic aciduria. Identifiers: Orphanet 23, MedGen C0268547, MONDO:0008815, OMIM 207900, HP:0025630.

Submission:

Labcorp Genetics (formerly Invitae), Labcorp
Classification: Likely pathogenic for Argininosuccinate lyase deficiency. Last evaluated: 2019-12-23. Review status: criteria provided, single submitter. Criteria: Invitae Variant Classification Sherloc (09022015). Collection method: clinical testing. Allele origin: germline.
Comment: In summary, the currently available evidence indicates that the variant is pathogenic, but additional data are needed to prove that conclusively. Therefore, this variant has been classified as Likely Pathogenic. This variant disrupts the p.Arg456 amino acid residue in ASL. Other variant(s) that disrupt this residue have been determined to be pathogenic (PMID: 24166829, 19703900, 26843370, 17326097). This suggests that this residue is clinically significant, and that variants that disrupt this residue are likely to be disease-causing. This variant has not been reported in the literature in individuals with ASL-related conditions. This variant is not present in population databases (ExAC no frequency). This sequence change results in a premature translational stop signal in the ASL gene (p.Trp450*). While this is not anticipated to result in nonsense mediated decay, it is expected to disrupt the last 15 amino acids of the ASL protein.

Literature cited by the submitters: PubMed 24166829; PubMed 19703900; PubMed 26843370; PubMed 17326097.